The following is an entry in ClinVar:

ClinVar aggregate classification (germline): Likely pathogenic (0 of 4 stars; one submission).

Conditions:
Retinitis pigmentosa (RP). Identifiers: Orphanet 791, MedGen C0035334, MeSH D012174, MONDO:0019200, OMIM 268000. Inheritance: Autosomal dominant, autosomal recessive and X linked inheritance.

Submission:

Department of Ophthalmology and Visual Sciences Kyoto University
Classification: Likely pathogenic for Retinitis pigmentosa. Review status: no assertion criteria provided. Collection method: not provided. Allele origin: unknown.
ClinVar note: Converted during submission from probable-pathogenic to Likely pathogenic.

NM_015629.4(PRPF31):c.764A>T (p.Gln255Leu)

Gene: PRPF31 (pre-mRNA processing factor 31; plus strand). Cytogenetic location: 19q13.42.
Variant type: single nucleotide variant.
Coding change: c.764A>T on transcript NM_015629.4 (MANE Select); coding-DNA position 764, A replaced by T.
Protein change: p.Gln255Leu; replaces glutamine 255 with leucine.
Molecular consequence: missense variant.
Genome position (GRCh38, 1-based): chr19:54,124,565, A>T. VCF-style: chr19-54124565-A-T. GRCh37 (hg19) VCF-style: chr19-54627944-A-T.
Other names: short protein forms Q255L.
Identifiers: ClinVar variation 143150 (VCV000143150.2), dbSNP rs527236095, ClinGen allele CA270118.